The following is an entry in ClinVar:

NM_203500.2(KEAP1):c.1534G>A (p.Val512Ile)

Gene: KEAP1 (kelch like ECH associated protein 1; minus strand). Cytogenetic location: 19p13.2.
Variant type: single nucleotide variant.
Coding change: c.1534G>A on transcript NM_203500.2 (MANE Select); coding-DNA position 1534, G replaced by A.
Protein change: p.Val512Ile; replaces valine 512 with isoleucine.
Molecular consequence: missense variant.
Genome position (GRCh38, 1-based): chr19:10,489,366, C>T on the plus strand (G>A on the coding strand, the complement: KEAP1 is on the minus strand). VCF-style: chr19-10489366-C-T. GRCh37 (hg19) VCF-style: chr19-10600042-C-T.
Other names: c.1534G>A, p.Val512Ile (NM_012289.4); short protein forms V512I.
Identifiers: ClinVar variation 5023144 (VCV005023144.1).
Genomic context (GRCh38, chr19:10,489,366, plus strand): 5'-TCAGCTGGTCCTGACCATCATAGCCCCCAGCAGCATAGATACAGTTGTGCAGGACGCAGA[C>T]GCCTAAAGGGCACCATGCAGAGAAGGTGACTCTGGGGGTCTGGCTTTGGGAACCCCAGCC-3'
Protein context (NP_987096.1, residues 502-522): AMNTIRSGAG[Val512Ile]CVLHNCIYAA

ClinVar aggregate classification (germline): Uncertain significance (1 of 4 stars; one submission).

gnomAD v4.1: 141 of 1,611,476 alleles (0.0087%); highest among the groups gnomAD compares: Middle Eastern, 0.12%; 3 homozygotes.

Submission:

Ambry Genetics
Classification: Uncertain significance. Last evaluated: 2026-07-01. Review status: criteria provided, single submitter. Criteria: Ambry Variant Classification Scheme 2023. Collection method: clinical testing. Allele origin: germline.
Comment: The p.V512I variant (also known as c.1534G>A), located in coding exon 4 of the KEAP1 gene, results from a G to A substitution at nucleotide position 1534. The valine at codon 512 is replaced by isoleucine, an amino acid with highly similar properties. This amino acid position is conserved. In addition, this alteration is predicted to be tolerated by in silico analysis. Based on the available evidence, the clinical significance of this variant remains unclear.